The following is an entry in ClinVar:

ClinVar aggregate classification (germline): Pathogenic/Likely pathogenic. Review status: criteria provided, multiple submitters, no conflicts (2 of 4 stars). 4 submissions from 4 submitters: Pathogenic (3); Likely pathogenic (1). Last evaluated 2025-11-18.

Conditions:
Hereditary cancer-predisposing syndrome. Also called: Hereditary Cancer Syndrome; Tumor predisposition; Hereditary neoplastic syndrome; Neoplastic Syndromes, Hereditary. Identifiers: Orphanet 140162, MedGen C0027672, MeSH D009386, MONDO:0015356.
Familial adenomatous polyposis 4 (FAP4). Also called: MSH3-related attenuated familial adenomatous polyposis. Identifiers: Orphanet 480536, MedGen C4310719, MONDO:0044300, OMIM 617100.
Endometrial carcinoma. Also called: Endometrial carcinoma, somatic. Identifiers: MedGen C0476089, MONDO:0002447, OMIM 608089, HP:0012114.

Allele frequency attached by ClinVar (database versions not stated): gnomAD exomes below 0.00001; gnomAD 0.00001 and 0.00002; TOPMed 0.00001.

Submissions (4):

Labcorp Genetics (formerly Invitae), Labcorp
Classification: Pathogenic. Last evaluated: 2025-11-18. Review status: criteria provided, single submitter. Criteria: Invitae Variant Classification Sherloc (09022015). Collection method: clinical testing. Allele origin: germline.
Comment: This sequence change creates a premature translational stop signal (p.Met899Glyfs*48) in the MSH3 gene. It is expected to result in an absent or disrupted protein product. Loss-of-function variants in MSH3 are known to be pathogenic (PMID: 27476653, 37402566). This variant is not present in population databases (gnomAD no frequency). This variant has not been reported in the literature in individuals affected with MSH3-related conditions. ClinVar contains an entry for this variant (Variation ID: 645737). For these reasons, this variant has been classified as Pathogenic.

Ambry Genetics
Classification: Pathogenic for Hereditary cancer-predisposing syndrome. Last evaluated: 2023-10-05. Review status: criteria provided, single submitter. Criteria: Ambry Variant Classification Scheme 2023. Collection method: clinical testing. Allele origin: germline.
Comment: The c.2695_2696delAT pathogenic mutation, located in coding exon 20 of the MSH3 gene, results from a deletion of two nucleotides at nucleotide positions 2695 to 2696, causing a translational frameshift with a predicted alternate stop codon (p.M899Gfs*48). This variant is considered to be rare based on population cohorts in the Genome Aggregation Database (gnomAD). This alteration is expected to result in loss of function by premature protein truncation or nonsense-mediated mRNA decay. As such, this alteration is interpreted as a disease-causing mutation.

Myriad Genetics, Inc.
Classification: Pathogenic for Familial adenomatous polyposis 4. Last evaluated: 2023-08-31. Review status: criteria provided, single submitter. Criteria: Myriad Autosomal Dominant, Autosomal Recessive and X-Linked Classification Criteria (2023). Collection method: clinical testing. Allele origin: unknown.
Comment: This variant is considered pathogenic. This variant creates a frameshift predicted to result in premature protein truncation.

Baylor Genetics
Classification: Likely pathogenic for Endometrial carcinoma. Last evaluated: 2023-06-26. Review status: criteria provided, single submitter. Criteria: ACMG Guidelines, 2015. Collection method: clinical testing. Allele origin: unknown.

Literature cited by the submitters: PubMed 27476653 (cited by Labcorp Genetics (formerly Invitae), Labcorp); PubMed 37402566 (cited by Labcorp Genetics (formerly Invitae), Labcorp).

NM_002439.5(MSH3):c.2695_2696del (p.Met899fs)

Gene: MSH3 (mutS homolog 3; plus strand). Cytogenetic location: 5q14.1.
Variant type: Deletion.
Coding change: c.2695_2696del on transcript NM_002439.5 (MANE Select); coding-DNA positions 2695 to 2696, 2 bases deleted (AT; older notation c.2695_2696delAT).
Protein change: p.Met899fs; shifts the reading frame from methionine 899.
Molecular consequence: frameshift variant.
Genome position (GRCh38, 1-based): chr5:80,813,623-80,813,624, AT deleted. VCF-style (leftmost placement, unchanged base first): chr5-80813622-CAT-C. GRCh37 (hg19) VCF-style: chr5-80109441-CAT-C.
Other names: c.2695_2696del (NM_002439.4); short protein forms M899fs.
Identifiers: ClinVar variation 645737 (VCV000645737.13), dbSNP rs1204002507, ClinGen allele CA814428366.